The following is an entry in ClinVar:

ClinVar aggregate classification (germline): Uncertain significance. Review status: criteria provided, multiple submitters, no conflicts (2 of 4 stars). 3 submissions from 3 submitters: Uncertain significance (3). Last evaluated 2024-12-09.

Conditions:
Ehlers-Danlos syndrome, type 4 (EDSVASC). Also called: Ehlers-Danlos syndrome vascular type; Ehlers Danlos syndrome, ecchymotic type; Ehlers Danlos syndrome, arterial type; Ehlers Danlos syndrome, Sack-Barabas type; Ehlers-Danlos Syndrome Type IV. Identifiers: Orphanet 286, MedGen C0268338, MONDO:0017314, OMIM 130050.
Familial thoracic aortic aneurysm and aortic dissection (TAAD). Also called: Thoracic aortic aneurysms and dissections. Identifiers: Orphanet 91387, MedGen C4707243, MONDO:0019625.

Allele frequency attached by ClinVar (database versions not stated): gnomAD exomes below 0.00001; ExAC 0.00001; gnomAD 0.00001.
gnomAD v4.1: 2 of 1,613,980 alleles (0.00012%); highest among the groups gnomAD compares: South Asian, 0.0022%; no homozygotes.

Submissions (3):

Labcorp Genetics (formerly Invitae), Labcorp
Classification: Uncertain significance for Ehlers-Danlos syndrome, type 4. Last evaluated: 2024-12-09. Review status: criteria provided, single submitter. Criteria: Invitae Variant Classification Sherloc (09022015). Collection method: clinical testing. Allele origin: germline.
Comment: This sequence change replaces proline, which is neutral and non-polar, with serine, which is neutral and polar, at codon 335 of the COL3A1 protein (p.Pro335Ser). This variant is present in population databases (rs757785982, gnomAD 0.003%). This variant has not been reported in the literature in individuals affected with COL3A1-related conditions. ClinVar contains an entry for this variant (Variation ID: 925988). Invitae Evidence Modeling of protein sequence and biophysical properties (such as structural, functional, and spatial information, amino acid conservation, physicochemical variation, residue mobility, and thermodynamic stability) indicates that this missense variant is not expected to disrupt COL3A1 protein function with a negative predictive value of 95%. In summary, the available evidence is currently insufficient to determine the role of this variant in disease. Therefore, it has been classified as a Variant of Uncertain Significance.

All of Us Research Program, National Institutes of Health
Classification: Uncertain significance for Ehlers-Danlos syndrome, type 4. Last evaluated: 2023-05-16. Review status: criteria provided, single submitter. Criteria: ACMG Guidelines, 2015. Collection method: clinical testing. Allele origin: germline. Inheritance: Autosomal dominant inheritance. Observed: 1 variant allele, 1 heterozygote.
Comment: This missense variant replaces proline with serine at codon 335 of the COL3A1 protein. Computational prediction tool suggests that this variant may not impact protein structure and function (internally defined REVEL score threshold <=0.5, PMID: 27666373). Splice site prediction tools suggest that this variant may not impact RNA splicing. To our knowledge, functional studies have not been performed for this variant. This variant has not been reported in individuals affected with cardiovascular disorders in the literature. This variant has been identified in 1/251338 chromosomes in the general population by the Genome Aggregation Database (gnomAD). The available evidence is insufficient to determine the role of this variant in disease conclusively. Therefore, this variant is classified as a Variant of Uncertain Significance.

This study involves interpretation of variants in research participants for the purpose of population health screening. Participant phenotype was not available at the time of variant classification. Additional details can be found in publication PMID: 35346344, PMCID: PMC8962531

Color Diagnostics, LLC DBA Color Health
Classification: Uncertain significance for Familial thoracic aortic aneurysm and aortic dissection. Last evaluated: 2023-04-27. Review status: criteria provided, single submitter. Criteria: ACMG Guidelines, 2015. Collection method: clinical testing. Allele origin: germline.
Comment: This missense variant replaces proline with serine at codon 335 of the COL3A1 protein. Computational prediction suggests that this variant may not impact protein structure and function (internally defined REVEL score threshold <= 0.5, PMID: 27666373). To our knowledge, functional studies have not been reported for this variant. This variant has not been reported in individuals affected with COL3A1-related disorders in the literature. This variant has been identified in 1/251338 chromosomes in the general population by the Genome Aggregation Database (gnomAD). The available evidence is insufficient to determine the role of this variant in disease conclusively. Therefore, this variant is classified as a Variant of Uncertain Significance.

NM_000090.4(COL3A1):c.1003C>T (p.Pro335Ser)

Gene: COL3A1 (collagen type III alpha 1 chain; plus strand). Cytogenetic location: 2q32.2.
Variant type: single nucleotide variant.
Coding change: c.1003C>T on transcript NM_000090.4 (MANE Select); coding-DNA position 1003, C replaced by T.
Protein change: p.Pro335Ser; replaces proline 335 with serine.
Molecular consequence: missense variant.
Genome position (GRCh38, 1-based): chr2:188,992,893, C>T. VCF-style: chr2-188992893-C-T. GRCh37 (hg19) VCF-style: chr2-189857619-C-T.
Other names: short protein forms P335S.
Identifiers: ClinVar variation 925988 (VCV000925988.8), dbSNP rs757785982, ClinGen allele CA073707.